The following is an entry in ClinVar:

ClinVar aggregate classification (germline): Uncertain significance. Review status: criteria provided, multiple submitters, no conflicts (2 of 4 stars). 2 submissions from 2 submitters: Uncertain significance (2). Last evaluated 2026-05-02.

Conditions:
BBS4-related disorder. Also called: BBS4-related condition.
Bardet-Biedl syndrome (BBS). Identifiers: Orphanet 110, MedGen C0752166, MONDO:0015229.

Allele frequency attached by ClinVar (database versions not stated): TOPMed below 0.00001.
gnomAD v4.1: 8 of 1,612,348 alleles (0.0005%); highest among the groups gnomAD compares: Non-Finnish European, 0.00059%; no homozygotes.

Submissions (2):

PreventionGenetics, part of Exact Sciences
Classification: Uncertain significance for BBS4-related condition. Last evaluated: 2026-05-02. Review status: criteria provided, single submitter. Criteria: ACMG Guidelines, 2015. Collection method: clinical testing. Allele origin: germline.
Comment: The BBS4 c.240A>C variant is predicted to result in the amino acid substitution p.Glu80Asp. To our knowledge, this variant has not been reported in the literature or in a large population database (gnomAD), indicating this variant is rare. At this time, the clinical significance of this variant is uncertain due to the absence of conclusive functional and genetic evidence.

Labcorp Genetics (formerly Invitae), Labcorp
Classification: Uncertain significance for Bardet-Biedl syndrome. Last evaluated: 2022-08-31. Review status: criteria provided, single submitter. Criteria: Invitae Variant Classification Sherloc (09022015). Collection method: clinical testing. Allele origin: germline.
Comment: This sequence change replaces glutamic acid, which is acidic and polar, with aspartic acid, which is acidic and polar, at codon 80 of the BBS4 protein (p.Glu80Asp). This variant is not present in population databases (gnomAD no frequency). This variant has not been reported in the literature in individuals affected with BBS4-related conditions. ClinVar contains an entry for this variant (Variation ID: 1413759). Algorithms developed to predict the effect of missense changes on protein structure and function (SIFT, PolyPhen-2, Align-GVGD) all suggest that this variant is likely to be disruptive. In summary, the available evidence is currently insufficient to determine the role of this variant in disease. Therefore, it has been classified as a Variant of Uncertain Significance.

NM_033028.5(BBS4):c.240A>C (p.Glu80Asp)

Gene: BBS4 (Bardet-Biedl syndrome 4; plus strand). Cytogenetic location: 15q24.1.
Variant type: single nucleotide variant.
Coding change: c.240A>C on transcript NM_033028.5 (MANE Select); coding-DNA position 240, A replaced by C.
Protein change: p.Glu80Asp; replaces glutamic acid 80 with aspartic acid.
Molecular consequence: missense variant. On other transcripts: 5 prime UTR variant (1), non-coding transcript variant (2).
Genome position (GRCh38, 1-based): chr15:72,715,310, A>C. VCF-style: chr15-72715310-A-C. GRCh37 (hg19) VCF-style: chr15-73007651-A-C.
Other names: c.-282A>C (NM_001252678.2); c.240A>C, p.Glu80Asp (NM_001320665.2); c.240A>C (NM_033028.4); short protein forms E80D.
Identifiers: ClinVar variation 1413759 (VCV001413759.6), dbSNP rs745338483, ClinGen allele CA393076664.